The following is an entry in ClinVar:

ClinVar aggregate classification (germline): Uncertain significance (1 of 4 stars; one submission).

Conditions:
EZH2-related disorder.

Submission:

PreventionGenetics, part of Exact Sciences
Classification: Uncertain significance for EZH2-related condition. Last evaluated: 2023-02-06. Review status: criteria provided, single submitter. Criteria: ACMG Guidelines, 2015. Collection method: clinical testing. Allele origin: germline.
Comment: The EZH2 c.446T>C variant is predicted to result in the amino acid substitution p.Leu149Pro. To our knowledge, this variant has not been reported in the literature or in a large population database, indicating this variant is rare. At this time, the clinical significance of this variant is uncertain due to the absence of conclusive functional and genetic evidence.

NM_004456.5(EZH2):c.446T>C (p.Leu149Pro)

Gene: EZH2 (enhancer of zeste 2 polycomb repressive complex 2 subunit; minus strand). Cytogenetic location: 7q36.1.
Variant type: single nucleotide variant.
Coding change: c.446T>C on transcript NM_004456.5 (MANE Select); coding-DNA position 446, T replaced by C.
Protein change: p.Leu149Pro; replaces leucine 149 with proline.
Molecular consequence: missense variant.
Genome position (GRCh38, 1-based): chr7:148,829,766, A>G on the plus strand (T>C on the coding strand, the complement: EZH2 is on the minus strand). VCF-style: chr7-148829766-A-G. GRCh37 (hg19) VCF-style: chr7-148526858-A-G.
Other names: c.446T>C, p.Leu149Pro (NM_001203247.2); c.419T>C, p.Leu140Pro (NM_001203248.2, NM_001203249.2); c.329T>C, p.Leu110Pro (NM_152998.3); short protein forms L110P, L140P, L149P.
Identifiers: ClinVar variation 2635380 (VCV002635380.1), dbSNP rs2129476923, ClinGen allele CA369721498.
Genomic context (GRCh38, chr7:148,829,766, plus strand): 5'-AGAGAAGAAGCATATGGCTCACCTCTATCCCCGTGTACTTTCCCATCATAATTTTTTATT[A>G]GTTCTTCAATGAAAGTACCATCCTGATCTAAAACTTCATCTCCCATATAAGGAATGTTAT-3'
Protein context (NP_004447.2, residues 139-159): LDQDGTFIEE[Leu149Pro]IKNYDGKVHG